The following is an entry in ClinVar:

NM_001009944.3(PKD1):c.4154T>A (p.Leu1385Gln)

Gene: PKD1 (polycystin 1, transient receptor potential channel interacting; minus strand). Cytogenetic location: 16p13.3.
Variant type: single nucleotide variant.
Coding change: c.4154T>A on transcript NM_001009944.3 (MANE Select); coding-DNA position 4154, T replaced by A.
Protein change: p.Leu1385Gln; replaces leucine 1385 with glutamine.
Molecular consequence: missense variant.
Genome position (GRCh38, 1-based): chr16:2,111,013, A>T on the plus strand (T>A on the coding strand, the complement: PKD1 is on the minus strand). VCF-style: chr16-2111013-A-T. GRCh37 (hg19) VCF-style: chr16-2161014-A-T.
Other names: c.4154T>A, p.Leu1385Gln (NM_000296.4); short protein forms L1385Q.
Identifiers: ClinVar variation 4852340 (VCV004852340.1).

ClinVar aggregate classification (germline): Uncertain significance (1 of 4 stars; one submission).

Conditions:
Polycystic kidney disease, adult type (PKD1). Also called: Polycystic Kidney, Autosomal Dominant; POLYCYSTIC KIDNEY DISEASE, ADULT, TYPE I; Polycystic Kidney Disease 1, Autosomal Dominant; Polycystic kidney disease 1; Polycystic kidney disease 1, severe; POLYCYSTIC KIDNEY DISEASE 1 WITH OR WITHOUT POLYCYSTIC LIVER DISEASE. Identifiers: MedGen C3149841, MONDO:0008263, OMIM 173900.

Submission:

MVZ Medizinische Genetik Mainz
Classification: Uncertain significance for Polycystic kidney disease, adult type. Last evaluated: 2026-04-15. Review status: criteria provided, single submitter. Criteria: UK Practice Guidelines For Variant Classification V4 01 2020. Collection method: clinical testing. Allele origin: germline. Inheritance: Autosomal dominant inheritance. Affected: yes. Observed: 1 variant allele.
Comment: ACMG Criteria: PM2_SUP,PP4